The following is an entry in ClinVar:

ClinVar aggregate classification (germline): Uncertain significance. Review status: criteria provided, multiple submitters, no conflicts (2 of 4 stars). 2 submissions from 2 submitters: Uncertain significance (2). Last evaluated 2022-01-27.

Allele frequency attached by ClinVar (database versions not stated): gnomAD exomes below 0.00001 and 0.00001; gnomAD 0.00004 and 0.00005; TOPMed 0.00005.
gnomAD v4.1: 12 of 1,609,526 alleles (0.00075%); highest among the groups gnomAD compares: African/African-American, 0.013%; no homozygotes.

Submissions (2):

Labcorp Genetics (formerly Invitae), Labcorp
Classification: Uncertain significance. Last evaluated: 2022-01-27. Review status: criteria provided, single submitter. Criteria: Invitae Variant Classification Sherloc (09022015). Collection method: clinical testing. Allele origin: germline.
Comment: This sequence change replaces asparagine, which is neutral and polar, with threonine, which is neutral and polar, at codon 77 of the MYO3A protein (p.Asn77Thr). This variant is present in population databases (no rsID available, gnomAD 0.01%). In summary, the available evidence is currently insufficient to determine the role of this variant in disease. Therefore, it has been classified as a Variant of Uncertain Significance. Algorithms developed to predict the effect of missense changes on protein structure and function (SIFT, PolyPhen-2, Align-GVGD) all suggest that this variant is likely to be disruptive. ClinVar contains an entry for this variant (Variation ID: 506195). This variant has not been reported in the literature in individuals affected with MYO3A-related conditions.

Laboratory for Molecular Medicine, Mass General Brigham Personalized Medicine
Classification: Uncertain significance. Last evaluated: 2017-11-27. Review status: criteria provided, single submitter. Criteria: LMM Criteria. Collection method: clinical testing. Allele origin: germline. Observed: 1 variant allele.
Comment: The p.Asn77Thr variant in MYO3A has not been previously reported in individuals with hearing loss, but has been identified in 3/24026 African chromosomes by the Genome Aggregation Database (gnomAD). Althoug h this variant has been seen in the general population, its frequency is not hig h enough to rule out a pathogenic role. Computational prediction tools and conse rvation analysis suggest that the p.Asn77Thr variant may impact the protein, tho ugh this information is not predictive enough to determine pathogenicity. In sum mary, the clinical significance of the p.Asn77Thr variant is uncertain. ACMG/AMP Criteria applied: PM2, PP3.

NM_017433.5(MYO3A):c.230A>C (p.Asn77Thr)

Gene: MYO3A (myosin IIIA; plus strand). Cytogenetic location: 10p12.1.
Variant type: single nucleotide variant.
Coding change: c.230A>C on transcript NM_017433.5 (MANE Select); coding-DNA position 230, A replaced by C.
Protein change: p.Asn77Thr; replaces asparagine 77 with threonine.
Molecular consequence: missense variant.
Genome position (GRCh38, 1-based): chr10:25,954,935, A>C. VCF-style: chr10-25954935-A-C. GRCh37 (hg19) VCF-style: chr10-26243864-A-C.
Other names: c.230A>C, p.Asn77Thr (NM_001368265.1); short protein forms N77T.
Identifiers: ClinVar variation 506195 (VCV000506195.8), dbSNP rs1232229010, ClinGen allele CA376331812.